The following is an entry in ClinVar:

ClinVar aggregate classification (germline): Uncertain significance (1 of 4 stars; one submission).

Conditions:
Aortic aneurysm, familial thoracic 7 (AAT7). Also called: AORTIC DISSECTION, FAMILIAL, WITH OR WITHOUT AORTIC ANEURYSM. Identifiers: MedGen C3151077, MONDO:0013418, OMIM 613780.

gnomAD v4.1: 4 of 1,614,074 alleles (0.00025%); highest among the groups gnomAD compares: South Asian, 0.0011%; no homozygotes.

Submission:

Labcorp Genetics (formerly Invitae), Labcorp
Classification: Uncertain significance for Aortic aneurysm, familial thoracic 7. Last evaluated: 2024-09-23. Review status: criteria provided, single submitter. Criteria: Invitae Variant Classification Sherloc (09022015). Collection method: clinical testing. Allele origin: germline.
Comment: This sequence change replaces cysteine, which is neutral and slightly polar, with phenylalanine, which is neutral and non-polar, at codon 487 of the MYLK protein (p.Cys487Phe). This variant is not present in population databases (gnomAD no frequency). This variant has not been reported in the literature in individuals affected with MYLK-related conditions. An algorithm developed to predict the effect of missense changes on protein structure and function (PolyPhen-2) suggests that this variant¬†is likely to be tolerated. In summary, the available evidence is currently insufficient to determine the role of this variant in disease. Therefore, it has been classified as a Variant of Uncertain Significance.

NM_053025.4(MYLK):c.1460G>T (p.Cys487Phe)

Gene: MYLK (myosin light chain kinase; minus strand). Cytogenetic location: 3q21.1.
Variant type: single nucleotide variant.
Coding change: c.1460G>T on transcript NM_053025.4 (MANE Select); coding-DNA position 1460, G replaced by T.
Protein change: p.Cys487Phe; replaces cysteine 487 with phenylalanine.
Molecular consequence: missense variant. On other transcripts: intron variant (2).
Genome position (GRCh38, 1-based): chr3:123,732,952, C>A on the plus strand (G>T on the coding strand, the complement: MYLK is on the minus strand). VCF-style: chr3-123732952-C-A. GRCh37 (hg19) VCF-style: chr3-123451799-C-A.
Other names: c.932G>T, p.Cys311Phe (NM_001321309.2); c.1460G>T, p.Cys487Phe (NM_053027.4); c.1309+735G>T (NM_053028.4, NM_053026.4); short protein forms C311F, C487F.
Identifiers: ClinVar variation 3703415 (VCV003703415.1).